The following is an entry in ClinVar:

ClinVar aggregate classification (germline): Pathogenic (1 of 4 stars; one submission).

Conditions:
Primary hyperoxaluria, type II (HP2). Also called: OXALOSIS II; Primary hyperoxaluria type 2; D-GLYCERATE DEHYDROGENASE DEFICIENCY; GLYCERIC ACIDURIA; GLYOXYLATE REDUCTASE/HYDROXYPYRUVATE REDUCTASE DEFICIENCY. Identifiers: Orphanet 416, Orphanet 93599, MedGen C0268165, MONDO:0009824, OMIM 260000. Disease mechanism: loss of function.

Submission:

Rare Kidney Stone Consortium and the Mayo Clinic Hyperoxaluria Center, Mayo Clinic
Classification: Pathogenic for Primary hyperoxaluria, type II. Last evaluated: 2023-10-27. Review status: criteria provided, single submitter. Criteria: ACMG Guidelines, 2015. Collection method: clinical testing. Allele origin: germline. Affected: yes.
Comment: ACMG:PSV1 PM2 PM3 PP4

Literature cited by the submitters: PubMed 34805638.

NM_012203.2(GRHPR):c.783del (p.Lys262fs)

Gene: GRHPR (glyoxylate and hydroxypyruvate reductase; plus strand). Cytogenetic location: 9p13.2.
Variant type: Deletion.
Coding change: c.783del on transcript NM_012203.2 (MANE Select); coding-DNA position 783, one base deleted (T; older notation c.783delT).
Protein change: p.Lys262fs; shifts the reading frame from lysine 262.
Molecular consequence: frameshift variant.
Genome position (GRCh38, 1-based): chr9:37,432,056, T deleted. VCF-style (leftmost placement, unchanged base first): chr9-37432055-GT-G. GRCh37 (hg19) VCF-style: chr9-37432052-GT-G.
Other names: short protein forms K262fs.
Identifiers: ClinVar variation 2664107 (VCV002664107.1), dbSNP rs2489249189, ClinGen allele CA2695201575.